The following is an entry in ClinVar:

ClinVar aggregate classification (germline): Pathogenic/Likely pathogenic. Review status: criteria provided, multiple submitters, no conflicts (2 of 4 stars). 2 submissions from 2 submitters: Pathogenic (1); Likely pathogenic (1). Last evaluated 2024-02-08.

Conditions:
Mitochondrial DNA depletion syndrome 1. Also called: Mitochondrial Neurogastrointestinal Encephalopathy Disease; MITOCHONDRIAL NEUROGASTROINTESTINAL ENCEPHALOPATHY SYNDROME, TYMP-RELATED; MNGIE, TYMP-RELATED; Mitochondrial neurogastrointestinal encephalomyopathy syndrome; Mitochondrial DNA Depletion Syndrome, MNGIE Form; POLIP SYNDROME. Identifiers: Orphanet 298, MedGen C4551995, MONDO:0011283, OMIM 603041.

Submissions (2):

Labcorp Genetics (formerly Invitae), Labcorp
Classification: Pathogenic. Last evaluated: 2024-02-08. Review status: criteria provided, single submitter. Criteria: Invitae Variant Classification Sherloc (09022015). Collection method: clinical testing. Allele origin: germline.
Comment: This sequence change creates a premature translational stop signal (p.Gln100*) in the TYMP gene. It is expected to result in an absent or disrupted protein product. Loss-of-function variants in TYMP are known to be pathogenic (PMID: 9924029, 15781193). This variant is not present in population databases (gnomAD no frequency). This variant has not been reported in the literature in individuals affected with TYMP-related conditions. Algorithms developed to predict the effect of sequence changes on RNA splicing suggest that this variant may disrupt the consensus splice site. For these reasons, this variant has been classified as Pathogenic.

Baylor Genetics
Classification: Likely pathogenic for Mitochondrial DNA depletion syndrome 1. Last evaluated: 2023-04-09. Review status: criteria provided, single submitter. Criteria: ACMG Guidelines, 2015. Collection method: clinical testing. Allele origin: unknown.

Literature cited by the submitters: PubMed 9924029 (cited by Labcorp Genetics (formerly Invitae), Labcorp); PubMed 15781193 (cited by Labcorp Genetics (formerly Invitae), Labcorp).

NM_001953.5(TYMP):c.298C>T (p.Gln100Ter)

Gene: TYMP (thymidine phosphorylase; minus strand). Cytogenetic location: 22q13.33.
Variant type: single nucleotide variant.
Coding change: c.298C>T on transcript NM_001953.5 (MANE Select); coding-DNA position 298, C replaced by T.
Protein change: p.Gln100Ter; replaces glutamine 100 with a stop codon.
Molecular consequence: nonsense.
Genome position (GRCh38, 1-based): chr22:50,529,255, G>A on the plus strand (C>T on the coding strand, the complement: TYMP is on the minus strand). VCF-style: chr22-50529255-G-A. GRCh37 (hg19) VCF-style: chr22-50967684-G-A.
Other names: c.298C>T, p.Gln100Ter (NM_001113755.3, NM_001113756.3, NM_001257988.1 and 1 more transcripts); short protein forms Q100*.
Identifiers: ClinVar variation 2679395 (VCV002679395.3), dbSNP rs2522546966, ClinGen allele CA412202146.